The following is an entry in ClinVar:

NM_033305.3(VPS13A):c.5299C>T (p.Gln1767Ter)

Gene: VPS13A (vacuolar protein sorting 13 homolog A; plus strand). Cytogenetic location: 9q21.2.
Variant type: single nucleotide variant.
Coding change: c.5299C>T on transcript NM_033305.3 (MANE Select); coding-DNA position 5299, C replaced by T.
Protein change: p.Gln1767Ter; replaces glutamine 1767 with a stop codon.
Molecular consequence: nonsense.
Genome position (GRCh38, 1-based): chr9:77,318,577, C>T. VCF-style: chr9-77318577-C-T. GRCh37 (hg19) VCF-style: chr9-79933493-C-T.
Other names: c.5182C>T, p.Gln1728Ter (NM_001018037.2); c.5299C>T, p.Gln1767Ter (NM_001018038.3, NM_015186.4); short protein forms Q1728*, Q1767*.
Identifiers: ClinVar variation 5012449 (VCV005012449.1).

ClinVar aggregate classification (germline): Pathogenic (1 of 4 stars; one submission).

Conditions:
VPS13A-related neurodegenerative disease. Also called: ACANTHOCYTOSIS WITH NEUROLOGIC DISORDER; LEVINE-CRITCHLEY SYNDROME; Choreoacanthocytosis; Chorea-acanthocytosis; Choreaacanthocytosis; VPS13A Disease. Identifiers: Orphanet 2388, MedGen C0393576, MONDO:0008695, OMIM 200150.

Submission:

Myriad Genetics, Inc.
Classification: Pathogenic for VPS13A-related neurodegenerative disease. Last evaluated: 2023-11-01. Review status: criteria provided, single submitter. Criteria: Myriad Autosomal Dominant, Autosomal Recessive and X-Linked Classification Criteria (2023). Collection method: clinical testing. Allele origin: unknown.
Comment: NM_033305.2(VPS13A):c.5299C>T(Q1767*) is expected to be pathogenic in the context of VPS13A disease. This variant is predicted to lead to an abnormal or absent protein product due to the creation of a premature termination codon in VPS13A, a gene where loss-of-function variants are known to be pathogenic. Please note: this variant was assessed in the context of healthy population screening.